The following is an entry in ClinVar:

ClinVar aggregate classification (germline): Benign/Likely benign. Review status: criteria provided, multiple submitters, no conflicts (2 of 4 stars). 8 submissions from 8 submitters: Benign (1); Likely benign (5). 2 of the submissions do not count toward it. Last evaluated 2026-01-01.

Conditions:
BARD1-related disorder. Also called: BARD1-related condition.
Hereditary cancer-predisposing syndrome. Also called: Tumor predisposition; Neoplastic Syndromes, Hereditary; Hereditary Cancer Syndrome; Hereditary neoplastic syndrome. Identifiers: Orphanet 140162, MedGen C0027672, MeSH D009386, MONDO:0015356.
Breast and/or ovarian cancer. Identifiers: MedGen CN221562.
Familial cancer of breast. Also called: hereditary breast carcinoma; BREAST CANCER, FAMILIAL; Hereditary breast cancer. Identifiers: Orphanet 227535, MedGen C0346153, MONDO:0016419, OMIM 114480. Disease mechanism: loss of function.
Malignant tumor of breast. Also called: Malignant breast neoplasm; Cancer breast. Identifiers: MedGen C0006142, MONDO:0007254. Disease mechanism: loss of function.

Allele frequency attached by ClinVar (database versions not stated): gnomAD exomes 0.00001.
gnomAD v4.1: 4 of 1,614,206 alleles (0.00025%); highest among the groups gnomAD compares: Non-Finnish European, 0.00034%; no homozygotes.

Submissions (8):

CeGaT Center for Human Genetics Tuebingen
Classification: Likely benign. Last evaluated: 2026-01-01. Review status: criteria provided, single submitter. Criteria: CeGaT Center For Human Genetics Tuebingen Variant Classification Criteria Version 2. Collection method: clinical testing. Allele origin: germline. Affected: yes. Observed: 1 variant allele.
Comment: BARD1: BP4, BP7

Labcorp Genetics (formerly Invitae), Labcorp
Classification: Likely benign for Familial cancer of breast. Last evaluated: 2025-09-24. Review status: criteria provided, single submitter. Criteria: Invitae Variant Classification Sherloc (09022015). Collection method: clinical testing. Allele origin: germline.

Myriad Genetics, Inc.
Classification: Benign for Familial cancer of breast. Last evaluated: 2024-07-29. Review status: criteria provided, single submitter. Criteria: Myriad Autosomal Dominant, Autosomal Recessive and X-Linked Classification Criteria (2023). Collection method: clinical testing. Allele origin: unknown.
Comment: This variant is considered benign. This variant is a silent/synonymous amino acid change and it is not expected to impact splicing.

CHEO Genetics Diagnostic Laboratory, Children's Hospital of Eastern Ontario
Classification: Likely benign for Breast and/or ovarian cancer. Last evaluated: 2023-01-12. Review status: criteria provided, single submitter. Criteria: ACMG Guidelines, 2015. Collection method: clinical testing. Allele origin: germline.

Color Diagnostics, LLC DBA Color Health
Classification: Likely benign for Hereditary cancer-predisposing syndrome. Last evaluated: 2022-04-18. Review status: criteria provided, single submitter. Criteria: ACMG Guidelines, 2015. Collection method: clinical testing. Allele origin: germline.

Ambry Genetics
Classification: Likely benign for Hereditary cancer-predisposing syndrome. Last evaluated: 2014-12-09. Review status: criteria provided, single submitter. Criteria: Ambry Variant Classification Scheme 2023. Collection method: clinical testing. Allele origin: germline.

PreventionGenetics, part of Exact Sciences
Classification: Likely benign for BARD1-related condition. Last evaluated: 2021-02-08. Review status: no assertion criteria provided. Collection method: clinical testing. Allele origin: germline. Not counted in ClinVar's aggregate classification.
Comment: This variant is classified as likely benign based on ACMG/AMP sequence variant interpretation guidelines (Richards et al. 2015 PMID: 25741868, with internal and published modifications).

Department of Pathology and Laboratory Medicine, Sinai Health System
Classification: Uncertain significance for Malignant tumor of breast. Review status: no assertion criteria provided. Collection method: clinical testing. Allele origin: unknown. Affected: yes. Study: The Canadian Open Genetics Repository (COGR). Not counted in ClinVar's aggregate classification.
Comment: The BARD1 p.Ala697= variant was not identified in the literature nor was it identified in the Cosmic, MutDB, or Zhejiang University databases. The variant was identified in dbSNP (ID: rs786201573) as "With Likely benign allele", and in ClinVar (classified as likely benign by Ambry Genetics, Invitae). The variant was not identified in the following control databases: the 1000 Genomes Project, the NHLBI GO Exome Sequencing Project, the Exome Aggregation Consortium (August 8th 2016), or the Genome Aggregation Database (Feb 27, 2017). The p.Ala697= variant is not expected to have clinical significance because it does not result in a change of amino acid and is not located in a known consensus splice site. The variant occurs outside of the splicing consensus sequence but 4 of 4 in silico or computational prediction software programs (SpliceSiteFinder, MaxEntScan, NNSPLICE, GeneSplicer) predict a greater than 10% chance that a cryptic splice site located at this loci is lost due to this variation. However, this information is not predictive enough to assume pathogenicity. In summary, based on the above information the clinical significance of this variant cannot be determined with certainty at this time. This variant is classified as a variant of uncertain significance.

NM_000465.4(BARD1):c.2091A>T (p.Ala697=)

Gene: BARD1 (BRCA1 associated RING domain 1; minus strand). Cytogenetic location: 2q35.
Variant type: single nucleotide variant.
Coding change: c.2091A>T on transcript NM_000465.4 (MANE Select); coding-DNA position 2091, A replaced by T.
Protein change: p.Ala697=; no amino-acid change (alanine 697 retained).
Molecular consequence: synonymous variant. On other transcripts: non-coding transcript variant (3).
Genome position (GRCh38, 1-based): chr2:214,728,919, T>A on the plus strand (A>T on the coding strand, the complement: BARD1 is on the minus strand). VCF-style: chr2-214728919-T-A. GRCh37 (hg19) VCF-style: chr2-215593643-T-A.
Other names: c.2034A>T, p.Ala678= (NM_001282543.2); c.738A>T, p.Ala246= (NM_001282545.2); c.681A>T, p.Ala227= (NM_001282548.2); c.552A>T, p.Ala184= (NM_001282549.2).
Identifiers: ClinVar variation 184617 (VCV000184617.27), dbSNP rs786201573, ClinGen allele CA189476.